The following is an entry in ClinVar:

ClinVar aggregate classification (germline): Likely benign (0 of 4 stars; one submission).

Conditions:
SALL1-related disorder. Also called: SALL1-related condition.

Allele frequency attached by ClinVar (database versions not stated): TOPMed 0.00001.

Submission:

PreventionGenetics, part of Exact Sciences
Classification: Likely benign for SALL1-related condition. Last evaluated: 2020-03-25. Review status: no assertion criteria provided. Collection method: clinical testing. Allele origin: germline.
Comment: This variant is classified as likely benign based on ACMG/AMP sequence variant interpretation guidelines (Richards et al. 2015 PMID: 25741868, with internal and published modifications).

NM_002968.3(SALL1):c.639A>G (p.Glu213=)

Gene: SALL1 (spalt like transcription factor 1; minus strand). Cytogenetic location: 16q12.1.
Variant type: single nucleotide variant.
Coding change: c.639A>G on transcript NM_002968.3 (MANE Select); coding-DNA position 639, A replaced by G.
Protein change: p.Glu213=; no amino-acid change (glutamic acid 213 retained).
Molecular consequence: synonymous variant.
Genome position (GRCh38, 1-based): chr16:51,141,583, T>C on the plus strand (A>G on the coding strand, the complement: SALL1 is on the minus strand). VCF-style: chr16-51141583-T-C. GRCh37 (hg19) VCF-style: chr16-51175494-T-C.
Other names: c.348A>G, p.Glu116= (NM_001127892.2).
Identifiers: ClinVar variation 3047264 (VCV003047264.2), dbSNP rs1330085894, ClinGen allele CA495781735.
Genomic context (GRCh38, chr16:51,141,583, plus strand): 5'-GAGTTGTTCCATGAGGGCTGGGACGGCCAGCTTGCCCCCAGAGGCCCCGCCGCACCTCGC[T>C]TCCTGGGAGAACTGGGCCACCGCCACCTTGGTGCTCTGGAGGTTCTCGATGATGACGTTG-3'
Protein context (NP_002959.2, residues 203-223): TKVAVAQFSQ[Glu213=]ARCGGASGGK